The following is an entry in ClinVar:

NM_003745.2(SOCS1):c.595G>A (p.Val199Ile)

Genes: SOCS1 (suppressor of cytokine signaling 1; minus strand), LOC130058478 (ATAC-STARR-seq lymphoblastoid silent region 7197; plus strand). Cytogenetic location: 16p13.13.
Variant type: single nucleotide variant.
Coding change: c.595G>A on transcript NM_003745.2 (MANE Select); coding-DNA position 595, G replaced by A.
Protein change: p.Val199Ile; replaces valine 199 with isoleucine.
Molecular consequence: missense variant.
Genome position (GRCh38, 1-based): chr16:11,254,884, C>T on the plus strand (G>A on the coding strand, the complement: SOCS1 is on the minus strand). VCF-style: chr16-11254884-C-T. GRCh37 (hg19) VCF-style: chr16-11348741-C-T.
Other names: short protein forms V199I.
Identifiers: ClinVar variation 3898296 (VCV003898296.7).
Genomic context (GRCh38, chr16:11,254,884, plus strand): 5'-GCACGGCGGGCGCTGCCGGTCAAATCTGGAAGGGGAAGGAGCTCAGGTAGTCGCGGAGGA[C>T]GGGGTTGAGGGGGATGCGAGCCAGGTTCTCGCGGCCCACGGTGGCCACGATGCGCTGGCG-3'
Protein context (NP_003736.1, residues 189-209): ENLARIPLNP[Val199Ile]LRDYLSSFPF

ClinVar aggregate classification (germline): Uncertain significance (1 of 4 stars; one submission).

gnomAD v4.1: 2 of 1,498,124 alleles (0.00013%); highest among the groups gnomAD compares: Non-Finnish European, 0.000088%; no homozygotes.

Submission:

CeGaT Center for Human Genetics Tuebingen
Classification: Uncertain significance. Last evaluated: 2025-04-01. Review status: criteria provided, single submitter. Criteria: CeGaT Center For Human Genetics Tuebingen Variant Classification Criteria Version 2. Collection method: clinical testing. Allele origin: germline. Affected: yes. Observed: 1 variant allele.
Comment: SOCS1: PM2